The following is an entry in ClinVar:

NM_004304.5(ALK):c.1045G>A (p.Val349Ile)

Gene: ALK (ALK receptor tyrosine kinase; minus strand). Cytogenetic location: 2p23.2.
Variant type: single nucleotide variant.
Coding change: c.1045G>A on transcript NM_004304.5 (MANE Select); coding-DNA position 1045, G replaced by A.
Protein change: p.Val349Ile; replaces valine 349 with isoleucine.
Molecular consequence: missense variant.
Genome position (GRCh38, 1-based): chr2:29,532,024, C>T on the plus strand (G>A on the coding strand, the complement: ALK is on the minus strand). VCF-style: chr2-29532024-C-T. GRCh37 (hg19) VCF-style: chr2-29754890-C-T.
Other names: short protein forms V349I.
Identifiers: ClinVar variation 641781 (VCV000641781.16), dbSNP rs370848188, ClinGen allele CA1594775.

ClinVar aggregate classification (germline): Conflicting classifications of pathogenicity. Review status: criteria provided, conflicting classifications (1 of 4 stars). 4 submissions from 4 submitters: Uncertain significance (3); Likely benign (1). Last evaluated 2026-01-10.

Conditions:
Hereditary cancer-predisposing syndrome. Also called: Neoplastic Syndromes, Hereditary; Hereditary Cancer Syndrome; Hereditary neoplastic syndrome; Tumor predisposition. Identifiers: Orphanet 140162, MedGen C0027672, MeSH D009386, MONDO:0015356.
Neuroblastoma, susceptibility to, 3. Also called: ALK-Related Neuroblastic Tumor Susceptibility. Identifiers: Orphanet 635, MedGen C2751681, MONDO:0013083, OMIM 613014.

Allele frequency attached by ClinVar (database versions not stated): ExAC 0.00003; gnomAD 0.00003 and 0.00004; TOPMed 0.00004; ESP Exome Variant Server 0.00008.
gnomAD v4.1: 30 of 1,614,006 alleles (0.0019%); highest among the groups gnomAD compares: African/African-American, 0.019%; no homozygotes.

Submissions (4):

Labcorp Genetics (formerly Invitae), Labcorp
Classification: Uncertain significance for Neuroblastoma, susceptibility to, 3. Last evaluated: 2026-01-10. Review status: criteria provided, single submitter. Criteria: Invitae Variant Classification Sherloc (09022015). Collection method: clinical testing. Allele origin: germline.
Comment: This sequence change replaces valine, which is neutral and non-polar, with isoleucine, which is neutral and non-polar, at codon 349 of the ALK protein (p.Val349Ile). This variant is present in population databases (rs370848188, gnomAD 0.02%). This variant has not been reported in the literature in individuals affected with ALK-related conditions. ClinVar contains an entry for this variant (Variation ID: 641781). An algorithm developed to predict the effect of missense changes on protein structure and function (PolyPhen-2) suggests that this variant is likely to be disruptive. In summary, the available evidence is currently insufficient to determine the role of this variant in disease. Therefore, it has been classified as a Variant of Uncertain Significance.

Ambry Genetics
Classification: Likely benign for Hereditary cancer-predisposing syndrome. Last evaluated: 2024-12-31. Review status: criteria provided, single submitter. Criteria: Ambry Variant Classification Scheme 2023. Collection method: clinical testing. Allele origin: germline.

GeneDx
Classification: Uncertain significance. Last evaluated: 2024-09-05. Review status: criteria provided, single submitter. Criteria: GeneDx Variant Classification Process June 2021. Collection method: clinical testing. Allele origin: germline. Affected: yes.
Comment: In silico analysis indicates that this missense variant does not alter protein structure/function; Has not been previously published as pathogenic or benign to our knowledge

Fulgent Genetics
Classification: Uncertain significance for Neuroblastoma, susceptibility to, 3. Last evaluated: 2024-02-28. Review status: criteria provided, single submitter. Criteria: ACMG Guidelines, 2015. Collection method: clinical testing. Allele origin: germline.